The following is an entry in ClinVar:

ClinVar aggregate classification (germline): Uncertain significance. Review status: criteria provided, multiple submitters, no conflicts (2 of 4 stars). 3 submissions from 3 submitters: Uncertain significance (3). Last evaluated 2021-11-07.

Conditions:
Hereditary cancer-predisposing syndrome. Also called: Hereditary Cancer Syndrome; Neoplastic Syndromes, Hereditary; Hereditary neoplastic syndrome; Tumor predisposition. Identifiers: Orphanet 140162, MedGen C0027672, MeSH D009386, MONDO:0015356.
Microcephaly, normal intelligence and immunodeficiency (NBS). Also called: Nijmegen breakage syndrome; Microcephaly with normal intelligence immunodeficiency and lymphoreticular malignancies; Nonsyndromal microcephaly autosomal recessive with normal intelligence; Seemanova syndrome 2; Immunodeficiency, microcephaly with normal intelligence; Ataxia telangiectasia variant V1. Identifiers: Orphanet 647, MedGen C0398791, MONDO:0009623, OMIM 251260.

Submissions (3):

Genome-Nilou Lab
Classification: Uncertain significance for Microcephaly, normal intelligence and immunodeficiency. Last evaluated: 2021-11-07. Review status: criteria provided, single submitter. Criteria: ACMG Guidelines, 2015. Collection method: clinical testing. Allele origin: germline. Affected: no.

Labcorp Genetics (formerly Invitae), Labcorp
Classification: Uncertain significance for Microcephaly, normal intelligence and immunodeficiency. Last evaluated: 2021-08-27. Review status: criteria provided, single submitter. Criteria: Invitae Variant Classification Sherloc (09022015). Collection method: clinical testing. Allele origin: germline.
Comment: This sequence change replaces alanine with serine at codon 696 of the NBN protein (p.Ala696Ser). The alanine residue is moderately conserved and there is a moderate physicochemical difference between alanine and serine. This variant is not present in population databases (ExAC no frequency). This variant has not been reported in the literature in individuals affected with NBN-related conditions. Algorithms developed to predict the effect of missense changes on protein structure and function are either unavailable or do not agree on the potential impact of this missense change (SIFT: "Tolerated"; PolyPhen-2: "Possibly Damaging"; Align-GVGD: "Class C0"). In summary, the available evidence is currently insufficient to determine the role of this variant in disease. Therefore, it has been classified as a Variant of Uncertain Significance.

Ambry Genetics
Classification: Uncertain significance for Hereditary cancer-predisposing syndrome. Last evaluated: 2018-06-20. Review status: criteria provided, single submitter. Criteria: Ambry Variant Classification Scheme 2023. Collection method: clinical testing. Allele origin: germline.
Comment: The p.A696S variant (also known as c.2086G>T), located in coding exon 14 of the NBN gene, results from a G to T substitution at nucleotide position 2086. The alanine at codon 696 is replaced by serine, an amino acid with similar properties. This amino acid position is highly conserved in available vertebrate species. In addition, the in silico prediction for this alteration is inconclusive. Since supporting evidence is limited at this time, the clinical significance of this alteration remains unclear.

NM_002485.5(NBN):c.2086G>T (p.Ala696Ser)

Gene: NBN (nibrin; minus strand). Cytogenetic location: 8q21.3.
Variant type: single nucleotide variant.
Coding change: c.2086G>T on transcript NM_002485.5 (MANE Select); coding-DNA position 2086, G replaced by T.
Protein change: p.Ala696Ser; replaces alanine 696 with serine.
Molecular consequence: missense variant.
Genome position (GRCh38, 1-based): chr8:89,943,351, C>A on the plus strand (G>T on the coding strand, the complement: NBN is on the minus strand). VCF-style: chr8-89943351-C-A. GRCh37 (hg19) VCF-style: chr8-90955579-C-A.
Other names: c.1840G>T, p.Ala614Ser (NM_001024688.3); short protein forms A696S, A614S.
Identifiers: ClinVar variation 820688 (VCV000820688.14), dbSNP rs749276965, ClinGen allele CA371675832.